The following is an entry in ClinVar:

NM_021930.6(RINT1):c.1808A>G (p.Lys603Arg)

Gene: RINT1 (RAD50 interactor 1; plus strand). Cytogenetic location: 7q22.3.
Variant type: single nucleotide variant.
Coding change: c.1808A>G on transcript NM_021930.6 (MANE Select); coding-DNA position 1808, A replaced by G.
Protein change: p.Lys603Arg; replaces lysine 603 with arginine.
Molecular consequence: missense variant. On other transcripts: non-coding transcript variant (1).
Genome position (GRCh38, 1-based): chr7:105,563,869, A>G. VCF-style: chr7-105563869-A-G. GRCh37 (hg19) VCF-style: chr7-105204316-A-G.
Other names: c.1574A>G, p.Lys525Arg (NM_001346599.2); c.785A>G, p.Lys262Arg (NM_001346600.2, NM_001346603.2); c.884A>G, p.Lys295Arg (NM_001346601.2); short protein forms K262R, K525R, K295R, K603R.
Identifiers: ClinVar variation 1380359 (VCV001380359.8), dbSNP rs2133464714, ClinGen allele CA368814003.

ClinVar aggregate classification (germline): Uncertain significance (1 of 4 stars; one submission).

Submission:

Labcorp Genetics (formerly Invitae), Labcorp
Classification: Uncertain significance. Last evaluated: 2021-03-22. Review status: criteria provided, single submitter. Criteria: Invitae Variant Classification Sherloc (09022015). Collection method: clinical testing. Allele origin: germline.
Comment: In summary, the available evidence is currently insufficient to determine the role of this variant in disease. Therefore, it has been classified as a Variant of Uncertain Significance. Algorithms developed to predict the effect of missense changes on protein structure and function (SIFT, PolyPhen-2, Align-GVGD) all suggest that this variant is likely to be tolerated, but these predictions have not been confirmed by published functional studies and their clinical significance is uncertain. This variant has not been reported in the literature in individuals with RINT1-related conditions. This variant is not present in population databases (ExAC no frequency). This sequence change replaces lysine with arginine at codon 603 of the RINT1 protein (p.Lys603Arg). The lysine residue is highly conserved and there is a small physicochemical difference between lysine and arginine.